The following is an entry in ClinVar:

ClinVar aggregate classification (germline): Conflicting classifications of pathogenicity. Review status: criteria provided, conflicting classifications (1 of 4 stars). 2 submissions from 2 submitters: Uncertain significance (1); Likely benign (1). Last evaluated 2026-01-24.

Conditions:
Familial thoracic aortic aneurysm and aortic dissection (TAAD). Also called: Thoracic aortic aneurysms and dissections. Identifiers: Orphanet 91387, MedGen C4707243, MONDO:0019625.
Congenital contractural arachnodactyly (CCA). Also called: Arthrogryposis, distal, type 9; BEALS SYNDROME; Beals-Hecht syndrome. Identifiers: Orphanet 115, MedGen C0220668, MONDO:0007363, OMIM 121050.

gnomAD v4.1: 13 of 1,614,164 alleles (0.00081%); highest among the groups gnomAD compares: African/African-American, 0.0027%; no homozygotes.

Submissions (2):

Labcorp Genetics (formerly Invitae), Labcorp
Classification: Likely benign for Congenital contractural arachnodactyly. Last evaluated: 2026-01-24. Review status: criteria provided, single submitter. Criteria: Invitae Variant Classification Sherloc (09022015). Collection method: clinical testing. Allele origin: germline.

Ambry Genetics
Classification: Uncertain significance for Familial thoracic aortic aneurysm and aortic dissection. Last evaluated: 2025-07-25. Review status: criteria provided, single submitter. Criteria: Ambry Variant Classification Scheme 2023. Collection method: clinical testing. Allele origin: germline.
Comment: The p.R1061Q variant (also known as c.3182G>A), located in coding exon 24 of the FBN2 gene, results from a G to A substitution at nucleotide position 3182. The arginine at codon 1061 is replaced by glutamine, an amino acid with highly similar properties. This amino acid position is highly conserved in available vertebrate species. In addition, the in silico prediction for this alteration is inconclusive. Based on the available evidence, the clinical significance of this variant remains unclear.

NM_001999.4(FBN2):c.3182G>A (p.Arg1061Gln)

Genes: FBN2 (fibrillin 2; minus strand), LOC126807501 (BRD4-independent group 4 enhancer GRCh37_chr5:127680731-127681930; plus strand). Cytogenetic location: 5q23.3.
Variant type: single nucleotide variant.
Coding change: c.3182G>A on transcript NM_001999.4 (MANE Select); coding-DNA position 3182, G replaced by A.
Protein change: p.Arg1061Gln; replaces arginine 1061 with glutamine.
Molecular consequence: missense variant.
Genome position (GRCh38, 1-based): chr5:128,345,392, C>T on the plus strand (G>A on the coding strand, the complement: FBN2 is on the minus strand). VCF-style: chr5-128345392-C-T. GRCh37 (hg19) VCF-style: chr5-127681084-C-T.
Other names: short protein forms R1061Q.
Identifiers: ClinVar variation 4255493 (VCV004255493.2).